The following is an entry in ClinVar:

ClinVar aggregate classification (germline): Uncertain significance (1 of 4 stars; one submission).

Submission:

Labcorp Genetics (formerly Invitae), Labcorp
Classification: Uncertain significance. Last evaluated: 2024-01-11. Review status: criteria provided, single submitter. Criteria: Invitae Variant Classification Sherloc (09022015). Collection method: clinical testing. Allele origin: germline.
Comment: This sequence change replaces alanine, which is neutral and non-polar, with proline, which is neutral and non-polar, at codon 276 of the HOXB13 protein (p.Ala276Pro). This variant is not present in population databases (gnomAD no frequency). This variant has not been reported in the literature in individuals affected with HOXB13-related conditions. ClinVar contains an entry for this variant (Variation ID: 1416476). Advanced modeling of protein sequence and biophysical properties (such as structural, functional, and spatial information, amino acid conservation, physicochemical variation, residue mobility, and thermodynamic stability) performed at Invitae indicates that this missense variant is not expected to disrupt HOXB13 protein function with a negative predictive value of 80%. In summary, the available evidence is currently insufficient to determine the role of this variant in disease. Therefore, it has been classified as a Variant of Uncertain Significance.

NM_006361.6(HOXB13):c.826G>C (p.Ala276Pro)

Gene: HOXB13 (homeobox B13; minus strand). Cytogenetic location: 17q21.32.
Variant type: single nucleotide variant.
Coding change: c.826G>C on transcript NM_006361.6 (MANE Select); coding-DNA position 826, G replaced by C.
Protein change: p.Ala276Pro; replaces alanine 276 with proline.
Molecular consequence: missense variant.
Genome position (GRCh38, 1-based): chr17:48,726,819, C>G on the plus strand (G>C on the coding strand, the complement: HOXB13 is on the minus strand). VCF-style: chr17-48726819-C-G. GRCh37 (hg19) VCF-style: chr17-46804181-C-G.
Other names: short protein forms A276P.
Identifiers: ClinVar variation 1416476 (VCV001416476.8), dbSNP rs191886930, ClinGen allele CA400105366.